The following is an entry in ClinVar:

NM_000494.4(COL17A1):c.1581G>A (p.Met527Ile)

Gene: COL17A1 (collagen type XVII alpha 1 chain; minus strand). Cytogenetic location: 10q25.1.
Variant type: single nucleotide variant.
Coding change: c.1581G>A on transcript NM_000494.4 (MANE Select); coding-DNA position 1581, G replaced by A.
Protein change: p.Met527Ile; replaces methionine 527 with isoleucine.
Molecular consequence: missense variant.
Genome position (GRCh38, 1-based): chr10:104,055,888, C>T on the plus strand (G>A on the coding strand, the complement: COL17A1 is on the minus strand). VCF-style: chr10-104055888-C-T. GRCh37 (hg19) VCF-style: chr10-105815646-C-T.
Other names: c.1581G>A (NM_000494.3); short protein forms M527I.
Identifiers: ClinVar variation 2727277 (VCV002727277.6), dbSNP rs143399084, ClinGen allele CA5678988.

ClinVar aggregate classification (germline): Conflicting classifications of pathogenicity. Review status: criteria provided, conflicting classifications (1 of 4 stars). 4 submissions from 4 submitters: Uncertain significance (1); Likely benign (2). 1 of the submissions does not count toward it. Last evaluated 2026-01-24.

Conditions:
Inborn genetic diseases. Identifiers: MedGen C0950123, MeSH D030342.
COL17A1-related disorder. Also called: COL17A1-related condition.

Allele frequency attached by ClinVar (database versions not stated): gnomAD exomes 0.00010; ExAC 0.00035; 1000 Genomes Project 0.00040; 1000 Genomes Project 30x 0.00047; gnomAD 0.00100; TOPMed 0.00111; ESP Exome Variant Server 0.00177.
gnomAD v4.1: 311 of 1,614,234 alleles (0.019%); highest among the groups gnomAD compares: African/African-American, 0.37%; 1 homozygote.

Submissions (4):

Labcorp Genetics (formerly Invitae), Labcorp
Classification: Likely benign. Last evaluated: 2026-01-24. Review status: criteria provided, single submitter. Criteria: Invitae Variant Classification Sherloc (09022015). Collection method: clinical testing. Allele origin: germline.

Blueprint Genetics
Classification: Likely benign. Last evaluated: 2024-08-21. Review status: criteria provided, single submitter. Criteria: ACMG Guidelines, 2015. Collection method: clinical testing. Allele origin: germline.

Ambry Genetics
Classification: Uncertain significance for Inborn genetic diseases. Last evaluated: 2024-07-31. Review status: criteria provided, single submitter. Criteria: Ambry Variant Classification Scheme 2023. Collection method: clinical testing. Allele origin: germline.

PreventionGenetics, part of Exact Sciences
Classification: Likely benign for COL17A1-related condition. Last evaluated: 2024-04-15. Review status: no assertion criteria provided. Collection method: clinical testing. Allele origin: germline. Not counted in ClinVar's aggregate classification.
Comment: This variant is classified as likely benign based on ACMG/AMP sequence variant interpretation guidelines (Richards et al. 2015 PMID: 25741868, with internal and published modifications).